The following is an entry in ClinVar:

NM_021927.3(GUF1):c.422C>A (p.Thr141Lys)

Gene: GUF1 (GTP binding elongation factor GUF1; plus strand). Cytogenetic location: 4p12.
Variant type: single nucleotide variant.
Coding change: c.422C>A on transcript NM_021927.3 (MANE Select); coding-DNA position 422, C replaced by A.
Protein change: p.Thr141Lys; replaces threonine 141 with lysine.
Molecular consequence: missense variant. On other transcripts: 5 prime UTR variant (2).
Genome position (GRCh38, 1-based): chr4:44,680,838, C>A. VCF-style: chr4-44680838-C-A. GRCh37 (hg19) VCF-style: chr4-44682855-C-A.
Other names: c.-547C>A (NM_001345867.2); c.422C>A, p.Thr141Lys (NM_001345868.2); c.-551C>A (NM_001345869.2); short protein forms T141K.
Identifiers: ClinVar variation 2987717 (VCV002987717.3), dbSNP rs2545489640, ClinGen allele CA356761226.

ClinVar aggregate classification (germline): Uncertain significance (1 of 4 stars; one submission).

Submission:

Labcorp Genetics (formerly Invitae), Labcorp
Classification: Uncertain significance. Last evaluated: 2023-10-07. Review status: criteria provided, single submitter. Criteria: Invitae Variant Classification Sherloc (09022015). Collection method: clinical testing. Allele origin: germline.
Comment: This sequence change replaces threonine, which is neutral and polar, with lysine, which is basic and polar, at codon 141 of the GUF1 protein (p.Thr141Lys). This variant is not present in population databases (gnomAD no frequency). This variant has not been reported in the literature in individuals affected with GUF1-related conditions. Advanced modeling of protein sequence and biophysical properties (such as structural, functional, and spatial information, amino acid conservation, physicochemical variation, residue mobility, and thermodynamic stability) performed at Invitae indicates that this missense variant is expected to disrupt GUF1 protein function. In summary, the available evidence is currently insufficient to determine the role of this variant in disease. Therefore, it has been classified as a Variant of Uncertain Significance.